The following is an entry in ClinVar:

NM_018129.4(PNPO):c.673C>T (p.Arg225Cys)

Gene: PNPO (pyridoxamine 5'-phosphate oxidase; plus strand). Cytogenetic location: 17q21.32.
Variant type: single nucleotide variant.
Coding change: c.673C>T on transcript NM_018129.4 (MANE Select); coding-DNA position 673, C replaced by T.
Protein change: p.Arg225Cys; replaces arginine 225 with cysteine.
Molecular consequence: missense variant.
Genome position (GRCh38, 1-based): chr17:47,946,669, C>T. VCF-style: chr17-47946669-C-T. GRCh37 (hg19) VCF-style: chr17-46024035-C-T.
Other names: p.R225C:CGC>TGC; short protein forms R225C.
Identifiers: ClinVar variation 206450 (VCV000206450.56), dbSNP rs769266169, ClinGen allele CA316564.
Genomic context (GRCh38, chr17:47,946,669, plus strand): 5'-TATAGGGGTGGCTATGTCCTGTACCCTCAGGTGATGGAGTTCTGGCAAGGTCAAACCAAC[C>T]GCCTGCATGACCGGATAGTCTTTCGGCGGGGCCTACCCACAGGAGATTCCCCTTTGGGGC-3'
Protein context (NP_060599.1, residues 215-235): VMEFWQGQTN[Arg225Cys]LHDRIVFRRG

ClinVar aggregate classification (germline): Pathogenic/Likely pathogenic. Review status: criteria provided, multiple submitters, no conflicts (2 of 4 stars). 8 submissions from 8 submitters: Pathogenic (7); Likely pathogenic (1). Last evaluated 2026-02-02.

Conditions:
PNPO-related disorder. Also called: PNPO-related condition; PNPO-related disorders.
Pyridoxal phosphate-responsive seizures (PNPOD). Also called: Pyridoxal 5'-Phosphate (PLP)-Dependent Epilepsy; EPILEPTIC ENCEPHALOPATHY, NEONATAL, PNPO-RELATED; Pyridoxamine 5-Prime-Phosphate Oxidase Deficiency; Pyridoxine-5'-phosphate oxidase deficiency; SEIZURES, PYRIDOXINE-RESISTANT, PLP-SENSITIVE. Identifiers: Orphanet 79096, MedGen C1864723, MONDO:0012407, OMIM 610090. Disease mechanism: loss of function.

Allele frequency attached by ClinVar (database versions not stated): ExAC 0.00002; gnomAD exomes 0.00002.
gnomAD v4.1: 49 of 1,614,180 alleles (0.003%); highest among the groups gnomAD compares: Admixed American, 0.0083%; no homozygotes.

Submissions (8):

Labcorp Genetics (formerly Invitae), Labcorp
Classification: Pathogenic for Pyridoxal phosphate-responsive seizures. Last evaluated: 2026-02-02. Review status: criteria provided, single submitter. Criteria: Invitae Variant Classification Sherloc (09022015). Collection method: clinical testing. Allele origin: germline.
Comment: This sequence change replaces arginine, which is basic and polar, with cysteine, which is neutral and slightly polar, at codon 225 of the PNPO protein (p.Arg225Cys). This variant is present in population databases (rs769266169, gnomAD 0.009%). This missense change has been observed in individual(s) with early infantile epileptic encephalopathy (PMID: 21292558, 24645144, 25762494). ClinVar contains an entry for this variant (Variation ID: 206450). Invitae Evidence Modeling of protein sequence and biophysical properties (such as structural, functional, and spatial information, amino acid conservation, physicochemical variation, residue mobility, and thermodynamic stability) indicates that this missense variant is expected to disrupt PNPO protein function with a positive predictive value of 80%. Experimental studies have shown that this missense change affects PNPO function (PMID: 24645144). This variant disrupts the p.Arg225 amino acid residue in PNPO. Other variant(s) that disrupt this residue have been determined to be pathogenic (PMID: 22858719, 24266778, 24645144, 24658933). This suggests that this residue is clinically significant, and that variants that disrupt this residue are likely to be disease-causing. For these reasons, this variant has been classified as Pathogenic.

Baylor Genetics
Classification: Pathogenic for Pyridoxal phosphate-responsive seizures. Last evaluated: 2024-02-06. Review status: criteria provided, single submitter. Criteria: ACMG Guidelines, 2015. Collection method: clinical testing. Allele origin: unknown.

Laboratory for Molecular Medicine, Mass General Brigham Personalized Medicine
Classification: Likely pathogenic for Pyridoxal phosphate-responsive seizures. Last evaluated: 2023-10-17. Review status: criteria provided, single submitter. Criteria: ACMG Guidelines, 2015. Collection method: clinical testing. Allele origin: germline. Inheritance: Autosomal recessive inheritance.
Comment: The p.Arg225Cys variant in PNPO has been identified in the compound heterozygous state at least 1 individual and in the homozygous state in at least 3 individuals with seizures that were responsive to pyridoxine/pyridoxal 5'-phosphate (Veerapandiyan 2011 PMID: 21292558, Mills 2014 PMID: 24645144, Borst 2018 PMID: 29610166, Barile 2020 PMID: 32788630, Jaxybayeva 2021 PMID: 34177756). This variant has also been reported by other clinical laboratories in ClinVar (Variation ID 206450). It was absent from large population studies (gnomAD v.3.1.2). In vitro functional studies from cells transfected with the variant show a drastic reduction in PLP enzyme activity (only 9% activity compared to wild type; Mills 2014 PMID: 24645144). Computational prediction tools and conservation analyses suggest that this variant may impact the protein. Another variant involving this codon (p.Arg225His) has been identified in individuals with seizures and is reported as pathogenic by multiple clinical laboratories. In summary, although additional studies are required to fully establish its clinical significance, this variant meets criteria to be classified as likely pathogenic for autosomal recessive pyridoxal phosphate-responsive seizures. ACMG/AMP Criteria applied: PM3, PM5, PM2_Supporting, PP3, PS3_Supporting.

PreventionGenetics, part of Exact Sciences
Classification: Pathogenic for PNPO-related condition. Last evaluated: 2023-05-26. Review status: criteria provided, single submitter. Criteria: ACMG Guidelines, 2015. Collection method: clinical testing. Allele origin: germline.
Comment: The PNPO c.673C>T variant is predicted to result in the amino acid substitution p.Arg225Cys. This variant has been reported in the homozygous state in several individuals with pyridoxamine-responsive epilepsy (Veerapandiyan et al 2011. PubMed ID: 21292558; Liu P et al 2019. PubMed ID: 31216405; Jaxybayeva A et al 2021. PubMed ID: 34177756; Borst AJ et al 2018. PubMed ID: 29610166). In vitro experimental studies suggest this variant impacts protein function (Mills et al 2014. PubMed ID: 24645144). Different missense variants affecting the same amino acid (p.Arg225His, p.Arg225Leu) have also been reported in individuals with pyridoxamine 5'-phosphate oxidase deficiency (see, for example, Plecko et al. 2014. PubMed ID: 24658933; Sund et al. 2013. PubMed ID: 22858719). The c.673C>T (p.Arg225Cys) variant is reported in 0.012% of alleles in individuals of Latino descent in gnomAD. This variant is interpreted as pathogenic.

GeneDx
Classification: Pathogenic. Last evaluated: 2022-07-08. Review status: criteria provided, single submitter. Criteria: GeneDx Variant Classification Process June 2021. Collection method: clinical testing. Allele origin: germline. Affected: yes.
Comment: Published functional studies of in vitro enzyme activity in protein lysates transfected from HeLa cells, demonstrate that R225C drastically reduces enzyme activity to 9% of wild type activity (Mills PB et al., 2014); Not observed at significant frequency in large population cohorts (gnomAD); This variant is associated with the following publications: (PMID: 21292558, 29655203, 31216405, 30671974, 34177756, 24645144, 29610166)

Women's Health and Genetics/Laboratory Corporation of America, LabCorp
Classification: Pathogenic for Pyridoxal phosphate-responsive seizures. Last evaluated: 2022-05-24. Review status: criteria provided, single submitter. Criteria: LabCorp Variant Classification Summary - May 2015. Collection method: clinical testing. Allele origin: germline.
Comment: Variant summary: PNPO c.673C>T (p.Arg225Cys) results in a non-conservative amino acid change located in the Pyridoxine 5'-phosphate oxidase, dimerisation, C-terminal domain (IPR019576) of the encoded protein sequence. Five of five in-silico tools predict a damaging effect of the variant on protein function. The variant allele was found at a frequency of 2.4e-05 in 251418 control chromosomes. c.673C>T has been reported in the literature as homozygous and compound heterozygous genotypes in multiple individuals affected with Pyridoxal 5'-Phosphate-Dependent Epilepsy (example, Veerapandiyan_2011, Mills_2014, Borst_2018, Barile_2020, Jaxybayeva_2021). These data indicate that the variant is very likely to be associated with disease. At least one publication reports experimental evidence evaluating an impact on protein function (Mills_2014). The most pronounced variant effect results in 9% of normal PLP synthesis activity in vitro. Four clinical diagnostic laboratories have submitted clinical-significance assessments for this variant to ClinVar after 2014 without evidence for independent evaluation. All laboratories classified the variant as pathogenic. Based on the evidence outlined above, the variant was classified as pathogenic.

CeGaT Center for Human Genetics Tuebingen
Classification: Pathogenic. Last evaluated: 2020-09-01. Review status: criteria provided, single submitter. Criteria: CeGaT Center For Human Genetics Tuebingen Variant Classification Criteria Version 2. Collection method: clinical testing. Allele origin: germline. Affected: yes. Observed: 1 variant allele.

Neuberg Centre For Genomic Medicine, NCGM
Classification: Pathogenic for Pyridoxal phosphate-responsive seizures. Review status: criteria provided, single submitter. Criteria: ACMG Guidelines, 2015. Collection method: clinical testing. Allele origin: germline. Inheritance: Autosomal recessive inheritance. Affected: yes.
Comment: Published functional studies of in vitro enzyme activity in protein lysates transfected from HeLa cells, demonstrate that R225C drastically reduces enzyme activity to 9% of wild type activity (Mills PB et al., 2014).

Literature cited by the submitters: PubMed 21292558 (cited by 3 submitters); PubMed 24645144 (cited by 3 submitters); PubMed 25762494 (cited by Labcorp Genetics (formerly Invitae), Labcorp); PubMed 22858719 (cited by Labcorp Genetics (formerly Invitae), Labcorp); PubMed 24266778 (cited by Labcorp Genetics (formerly Invitae), Labcorp); PubMed 24658933 (cited by Labcorp Genetics (formerly Invitae), Labcorp); PubMed 34177756 (cited by Laboratory for Molecular Medicine, Mass General Brigham Personalized Medicine and Women's Health and Genetics/Laboratory Corporation of America, LabCorp); PubMed 32788630 (cited by Laboratory for Molecular Medicine, Mass General Brigham Personalized Medicine and Women's Health and Genetics/Laboratory Corporation of America, LabCorp); PubMed 29610166 (cited by Laboratory for Molecular Medicine, Mass General Brigham Personalized Medicine and Women's Health and Genetics/Laboratory Corporation of America, LabCorp).